The following is an entry in ClinVar:

NM_003072.5(SMARCA4):c.400G>A (p.Val134Ile)

Gene: SMARCA4 (SWI/SNF related BAF chromatin remodeling complex subunit ATPase 4; plus strand). Cytogenetic location: 19p13.2.
Variant type: single nucleotide variant.
Coding change: c.400G>A on transcript NM_003072.5 (MANE Select); coding-DNA position 400, G replaced by A.
Protein change: p.Val134Ile; replaces valine 134 with isoleucine.
Molecular consequence: missense variant. On other transcripts: non-coding transcript variant (1).
Genome position (GRCh38, 1-based): chr19:10,986,233, G>A. VCF-style: chr19-10986233-G-A. GRCh37 (hg19) VCF-style: chr19-11096909-G-A.
Other names: c.400G>A, p.Val134Ile (NM_001128844.3, NM_001128845.2, NM_001128846.2 and 6 more transcripts); short protein forms V134I.
Identifiers: ClinVar variation 4170130 (VCV004170130.1).

ClinVar aggregate classification (germline): Uncertain significance (1 of 4 stars; one submission).

Conditions:
Hereditary cancer-predisposing syndrome. Also called: Neoplastic Syndromes, Hereditary; Tumor predisposition; Hereditary Cancer Syndrome; Hereditary neoplastic syndrome. Identifiers: Orphanet 140162, MedGen C0027672, MeSH D009386, MONDO:0015356.

Submission:

Ambry Genetics
Classification: Uncertain significance for Hereditary cancer-predisposing syndrome. Last evaluated: 2025-08-19. Review status: criteria provided, single submitter. Criteria: Ambry Variant Classification Scheme 2023. Collection method: clinical testing. Allele origin: germline.
Comment: The p.V134I variant (also known as c.400G>A), located in coding exon 3 of the SMARCA4 gene, results from a G to A substitution at nucleotide position 400. The valine at codon 134 is replaced by isoleucine, an amino acid with highly similar properties. This amino acid position is conserved. In addition, this alteration is predicted to be tolerated by in silico analysis. Based on the available evidence, the clinical significance of this variant remains unclear.